The following is an entry in ClinVar:

ClinVar aggregate classification (germline): Uncertain significance (1 of 4 stars; one submission).

Submission:

Labcorp Genetics (formerly Invitae), Labcorp
Classification: Uncertain significance. Last evaluated: 2025-06-29. Review status: criteria provided, single submitter. Criteria: Invitae Variant Classification Sherloc (09022015). Collection method: clinical testing. Allele origin: germline.
Comment: This sequence change replaces arginine, which is basic and polar, with lysine, which is basic and polar, at codon 267 of the RELB protein (p.Arg267Lys). This variant is not present in population databases (gnomAD no frequency). This variant has not been reported in the literature in individuals affected with RELB-related conditions. An algorithm developed to predict the effect of missense changes on protein structure and function (PolyPhen-2) suggests that this variant is likely to be tolerated. In summary, the available evidence is currently insufficient to determine the role of this variant in disease. Therefore, it has been classified as a Variant of Uncertain Significance.

NM_006509.4(RELB):c.800G>A (p.Arg267Lys)

Gene: RELB (RELB proto-oncogene, NF-kB subunit; plus strand). Cytogenetic location: 19q13.32.
Variant type: single nucleotide variant.
Coding change: c.800G>A on transcript NM_006509.4 (MANE Select); coding-DNA position 800, G replaced by A.
Protein change: p.Arg267Lys; replaces arginine 267 with lysine.
Molecular consequence: missense variant.
Genome position (GRCh38, 1-based): chr19:45,025,651, G>A. VCF-style: chr19-45025651-G-A. GRCh37 (hg19) VCF-style: chr19-45528909-G-A.
Other names: c.791G>A, p.Arg264Lys (NM_001411087.1); short protein forms R267K, R264K.
Identifiers: ClinVar variation 4722348 (VCV004722348.1).
Genomic context (GRCh38, chr19:45,025,651, plus strand): 5'-TATCTCCCCCGACAGCTGGGTCCCTGAAGAACCATCAGGAAGTAGACATGAATGTGGTGA[G>A]GATCTGCTTCCAGGCCTCATATCGGGACCAGCAGGGACAGATGCGCCGGATGGATCCTGT-3'
Protein context (NP_006500.2, residues 257-277): NHQEVDMNVV[Arg267Lys]ICFQASYRDQ